The following is an entry in ClinVar:

ClinVar aggregate classification (germline): Uncertain significance (1 of 4 stars; one submission).

Submission:

GeneDx
Classification: Uncertain significance. Last evaluated: 2025-10-24. Review status: criteria provided, single submitter. Criteria: GeneDx Variant Classification Process June 2021. Collection method: clinical testing. Allele origin: germline.
Comment: Stop codon loss and change to a Cysteine codon, leading to protein extension and the addition of 36 amino acid(s) at the C-terminus; Not observed at significant frequency in large population cohorts (gnomAD); Has not been previously published as pathogenic or benign to our knowledge

NM_198880.3(QRICH1):c.2329_2330dup (p.Ter777CysextTer?)

Gene: QRICH1 (glutamine rich 1; minus strand). Cytogenetic location: 3p21.31.
Variant type: Duplication.
Coding change: c.2329_2330dup on transcript NM_198880.3 (MANE Select); coding-DNA positions 2329 to 2330, 2 bases duplicated (TG; older notation c.2329_2330dupTG).
Protein change: p.Ter777CysextTer?.
Molecular consequence: frameshift variant, stop lost.
Genome position (GRCh38, 1-based): chr3:49,030,453-49,030,454, CA duplicated on the plus strand (TG on the coding strand, the reverse complement: QRICH1 is on the minus strand). VCF-style (leftmost placement, unchanged base first): chr3-49030452-T-TCA. GRCh37 (hg19) VCF-style: chr3-49067885-T-TCA.
Other names: c.2329_2330dup, p.Ter777CysextTer? (NM_001320580.2, NM_001320581.2, NM_001320582.2 and 4 more transcripts).
Identifiers: ClinVar variation 3360823 (VCV003360823.2).
Genomic context (GRCh38, chr3:49,030,452, plus strand): 5'-AGTGTGAAAGTCTGTCTGGTTTTTCCTGGCTGGTTTCTCTTGTGCCATGGCCAAGGCATC[T>TCA]CAGTGCATAGTGCTTGCATTGGCCACTGCGATGGCCTCCTGAATTTCTCTTATCACCAGG-3'